The following is an entry in ClinVar:

NM_199420.4(POLQ):c.7210A>G (p.Ile2404Val)

Gene: POLQ (DNA polymerase theta; minus strand). Cytogenetic location: 3q13.33.
Variant type: single nucleotide variant.
Coding change: c.7210A>G on transcript NM_199420.4 (MANE Select); coding-DNA position 7210, A replaced by G.
Protein change: p.Ile2404Val; replaces isoleucine 2404 with valine.
Molecular consequence: missense variant.
Genome position (GRCh38, 1-based): chr3:121,449,369, T>C on the plus strand (A>G on the coding strand, the complement: POLQ is on the minus strand). VCF-style: chr3-121449369-T-C. GRCh37 (hg19) VCF-style: chr3-121168216-T-C.
Other names: short protein forms I2404V.
Identifiers: ClinVar variation 1757731 (VCV001757731.2), dbSNP rs907846224, ClinGen allele CA354102418.
Genomic context (GRCh38, chr3:121,449,369, plus strand): 5'-AATTACCTGTGTATCTGGATTTGAAGGAGTCAATATAGCATGCAGCATCATTTTCTTTAA[T>C]GCCCATCTGCTCTCCCAAAGATTTAGCTCCCATTCCATAAATGATCCCATAGCAAATCTG-3'
Protein context (NP_955452.3, residues 2394-2414): GAKSLGEQMG[Ile2404Val]KENDAACYID

ClinVar aggregate classification (germline): Uncertain significance (1 of 4 stars; one submission).

Allele frequency attached by ClinVar (database versions not stated): gnomAD 0.00001.
gnomAD v4.1: 2 of 1,608,482 alleles (0.00012%); highest among the groups gnomAD compares: African/African-American, 0.0027%; no homozygotes.

Submission:

Ambry Genetics
Classification: Uncertain significance. Last evaluated: 2023-11-09. Review status: criteria provided, single submitter. Criteria: Ambry Variant Classification Scheme 2023. Collection method: clinical testing. Allele origin: germline.
Comment: The p.I2404V variant (also known as c.7210A>G), located in coding exon 26 of the POLQ gene, results from an A to G substitution at nucleotide position 7210. The isoleucine at codon 2404 is replaced by valine, an amino acid with highly similar properties. This amino acid position is conserved. In addition, the in silico prediction for this alteration is inconclusive. Since supporting evidence is limited at this time, the clinical significance of this alteration remains unclear.